The following is an entry in ClinVar:

ClinVar aggregate classification (germline): Pathogenic/Likely pathogenic. Review status: criteria provided, multiple submitters, no conflicts (2 of 4 stars). 7 submissions from 7 submitters: Pathogenic (6); Likely pathogenic (1). Last evaluated 2026-03-19.

Conditions:
SHANK3-related disorder. Also called: SHANK3-related condition.
Autism spectrum disorder. Also called: Autism spectrum disorders. Identifiers: MedGen C1510586, MeSH D000067877, MONDO:0005258.
Phelan-McDermid syndrome. Also called: Phelan-McDermid Syndrome-SHANK3 Related; TELOMERIC 22q13 MONOSOMY SYNDROME; 22q13.3 deletion syndrome. Identifiers: Orphanet 48652, MedGen C1853490, MONDO:0011652, OMIM 606232.
Intellectual disability. Also called: Intellectual functioning disability; Intellectual developmental disorder; intellectual disabilities. Identifiers: MedGen C3714756, MeSH D008607, MONDO:0001071, HP:0001249.

Submissions (7):

North West Genomic Laboratory Hub, Manchester University NHS Foundation Trust
Classification: Pathogenic for Intellectual disability. Last evaluated: 2026-03-19. Review status: criteria provided, single submitter. Criteria: ACGS Best Practice Guidelines for Variant Classification in Rare Disease 2024. Collection method: clinical testing. Allele origin: germline. Affected: yes.
Comment: PM2_Mod PVS1_VStr PS4_Mod PS2_Mod

CeGaT Center for Human Genetics Tuebingen
Classification: Pathogenic. Last evaluated: 2025-09-01. Review status: criteria provided, single submitter. Criteria: CeGaT Center For Human Genetics Tuebingen Variant Classification Criteria Version 2. Collection method: clinical testing. Allele origin: germline. Affected: yes. Observed: 1 variant allele.
Comment: SHANK3: PVS1, PM2, PS2:Moderate

Blueprint Genetics
Classification: Pathogenic for SHANK3-related disorders. Last evaluated: 2024-03-15. Review status: criteria provided, single submitter. Criteria: ACMG Guidelines, 2015. Collection method: clinical testing. Allele origin: germline. Affected: yes. Observed: 2 variant alleles.

Institute of Human Genetics, University of Leipzig Medical Center
Classification: Pathogenic for Phelan-McDermid syndrome. Last evaluated: 2024-03-04. Review status: criteria provided, single submitter. Criteria: ACMG Guidelines, 2015. Collection method: clinical testing. Allele origin: unknown. Inheritance: Autosomal dominant inheritance. Affected: yes.
Comment: Criteria applied: PVS1,PS4_MOD,PM2_SUP

GeneDx
Classification: Pathogenic. Last evaluated: 2022-08-19. Review status: criteria provided, single submitter. Criteria: GeneDx Variant Classification Process June 2021. Collection method: clinical testing. Allele origin: germline. Affected: yes.
Comment: Frameshift variant predicted to result in protein truncation or nonsense mediated decay in a gene for which loss-of-function is a known mechanism of disease; Not observed at significant frequency in large population cohorts (gnomAD); This variant is associated with the following publications: (PMID: 25188300, 29719671)

Mendelics
Classification: Likely pathogenic for Phelan-McDermid syndrome. Last evaluated: 2019-05-28. Review status: criteria provided, single submitter. Criteria: Mendelics Assertion Criteria 2017. Collection method: clinical testing. Allele origin: unknown.

Liping Wei Laboratory, Peking University
Classification: Pathogenic for Autism spectrum disorder. Last evaluated: 2018-08-01. Review status: criteria provided, single submitter. Criteria: Zhou et al. (Hum Mutat. 2019). Collection method: research. Allele origin: de novo. Affected: yes. Observed: 1 variant allele.

NM_001372044.2(SHANK3):c.3649_3650del (p.Leu1217fs)

Gene: SHANK3 (SH3 and multiple ankyrin repeat domains 3; plus strand). Cytogenetic location: 22q13.33.
Variant type: Deletion.
Coding change: c.3649_3650del on transcript NM_001372044.2 (MANE Select); coding-DNA positions 3649 to 3650, 2 bases deleted (CT; older notation c.3649_3650delCT).
Protein change: p.Leu1217fs; shifts the reading frame from leucine 1217.
Molecular consequence: frameshift variant.
Genome position (GRCh38, 1-based): chr22:50,721,257-50,721,258, CT deleted. VCF-style (leftmost placement, unchanged base first): chr22-50721256-CCT-C. GRCh37 (hg19) VCF-style: chr22-51159684-CCT-C.
Other names: c.3424_3425delCT (NM_033517.1); short protein forms L1217fs.
Identifiers: ClinVar variation 372707 (VCV000372707.17), dbSNP rs1555910143, ClinGen allele CA16043254.